The following is an entry in ClinVar:

NM_001005361.3(DNM2):c.958G>A (p.Asp320Asn)

Gene: DNM2 (dynamin 2; plus strand). Cytogenetic location: 19p13.2.
Variant type: single nucleotide variant.
Coding change: c.958G>A on transcript NM_001005361.3 (MANE Select); coding-DNA position 958, G replaced by A.
Protein change: p.Asp320Asn; replaces aspartic acid 320 with asparagine.
Molecular consequence: missense variant.
Genome position (GRCh38, 1-based): chr19:10,786,672, G>A. VCF-style: chr19-10786672-G-A. GRCh37 (hg19) VCF-style: chr19-10897348-G-A.
Other names: c.958G>A, p.Asp320Asn (NM_001005360.3, NM_001005362.3, NM_001190716.2 and 1 more transcripts); short protein forms D320N.
Identifiers: ClinVar variation 158529 (VCV000158529.29), dbSNP rs150613209, ClinGen allele CA172137.
Genomic context (GRCh38, chr19:10,786,672, plus strand): 5'-CTACAGAGCCAGCTGCTGTCCCTGGAGAAGGAGGTGGAGGAGTACAAGAACTTTCGGCCC[G>A]ACGACCCCACCCGCAAAACCAAAGCCCTGCTGCAGTATGTACCCCGGCACCCACCACCAC-3'
Protein context (NP_001005361.1, residues 310-330): EVEEYKNFRP[Asp320Asn]DPTRKTKALL

ClinVar aggregate classification (germline): Conflicting classifications of pathogenicity. Review status: criteria provided, conflicting classifications (1 of 4 stars). 9 submissions from 8 submitters: Uncertain significance (3); Benign (3); Likely benign (3). Last evaluated 2025-10-03.

Conditions:
DNM2-related disorder. Also called: DNM2-related condition.
Inborn genetic diseases. Identifiers: MedGen C0950123, MeSH D030342.
Charcot-Marie-Tooth disease dominant intermediate B (CMTDIB). Also called: CHARCOT-MARIE-TOOTH NEUROPATHY, DOMINANT INTERMEDIATE B; Charcot-Marie-Tooth disease dominant intermediate 1; CMT DI1; Charcot-Marie-Tooth disease dominant intermediate I. Identifiers: Orphanet 100044, Orphanet 228179, MedGen C1847902, MONDO:0011674, OMIM 606482.
Autosomal dominant centronuclear myopathy. Also called: MYOTUBULAR MYOPATHY, AUTOSOMAL DOMINANT; Myopathy, centronuclear, 3. Identifiers: Orphanet 169189, MedGen C4551952, MeSH D020914, MONDO:0008048, OMIM 160150.

Allele frequency attached by ClinVar (database versions not stated): gnomAD exomes 0.00004 and 0.00011; ESP Exome Variant Server 0.00008; ExAC 0.00012; 1000 Genomes Project 30x 0.00016; 1000 Genomes Project 0.00020; gnomAD 0.00023 and 0.00026; TOPMed 0.00029.
gnomAD v4.1: 103 of 1,614,034 alleles (0.0064%); highest among the groups gnomAD compares: African/African-American, 0.085%; no homozygotes.

Submissions (9):

Labcorp Genetics (formerly Invitae), Labcorp
Classification: Likely benign for Charcot-Marie-Tooth disease dominant intermediate B. Last evaluated: 2025-10-03. Review status: criteria provided, single submitter. Criteria: Invitae Variant Classification Sherloc (09022015). Collection method: clinical testing. Allele origin: germline.

PreventionGenetics, part of Exact Sciences
Classification: Uncertain significance for DNM2-related condition. Last evaluated: 2025-08-15. Review status: criteria provided, single submitter. Criteria: ACMG Guidelines, 2015. Collection method: clinical testing. Allele origin: germline.
Comment: The DNM2 c.958G>A variant is predicted to result in the amino acid substitution p.Asp320Asn. To our knowledge, this variant has not been reported in the literature. This variant is reported in 0.084% of alleles in individuals of African descent in gnomAD, which may be too frequent to be a primary cause of disease. Although we suspect that this variant may be benign, at this time, the clinical significance of this variant is uncertain due to the absence of conclusive functional and genetic evidence.

Revvity Omics, Revvity
Classification: Uncertain significance. Last evaluated: 2024-01-18. Review status: criteria provided, single submitter. Criteria: ACMG Guidelines, 2015. Collection method: clinical testing. Allele origin: germline.

Ambry Genetics
Classification: Likely benign for Inborn genetic diseases. Last evaluated: 2022-10-26. Review status: criteria provided, single submitter. Criteria: Ambry Variant Classification Scheme 2023. Collection method: clinical testing. Allele origin: germline.

GeneDx
Classification: Likely benign. Last evaluated: 2018-01-16. Review status: criteria provided, single submitter. Criteria: GeneDx Variant Classification (06012015). Collection method: clinical testing. Allele origin: germline. Affected: yes.
Comment: This variant is considered likely benign or benign based on one or more of the following criteria: it is a conservative change, it occurs at a poorly conserved position in the protein, it is predicted to be benign by multiple in silico algorithms, and/or has population frequency not consistent with disease.

Illumina Laboratory Services, Illumina
Classification: Benign for Autosomal dominant centronuclear myopathy. Last evaluated: 2018-01-12. Review status: criteria provided, single submitter. Criteria: ICSL Variant Classification Criteria 13 December 2019. Collection method: clinical testing. Allele origin: germline.
Comment: This variant was observed in the ICSL laboratory as part of a predisposition screen in an ostensibly healthy population. It had not been previously curated by ICSL or reported in the Human Gene Mutation Database (HGMD: prior to June 1st, 2018), and was therefore a candidate for classification through an automated scoring system. Utilizing variant allele frequency, disease prevalence and penetrance estimates, and inheritance mode, an automated score was calculated to assess if this variant is too frequent to cause the disease. Based on the score and internal cut-off values, a variant classified as benign is not then subjected to further curation. The score for this variant resulted in a classification of benign for this disease.

Illumina Laboratory Services, Illumina
Classification: Benign for Charcot-Marie-Tooth disease dominant intermediate B. Last evaluated: 2018-01-12. Review status: criteria provided, single submitter. Criteria: ICSL Variant Classification Criteria 13 December 2019. Collection method: clinical testing. Allele origin: germline.
Comment: the same text as in the submission from Illumina Laboratory Services, Illumina above.

ARUP Laboratories, Molecular Genetics and Genomics, ARUP Laboratories
Classification: Uncertain significance. Last evaluated: 2017-06-14. Review status: criteria provided, single submitter. Criteria: ARUP Molecular Germline Variant Investigation Process. Collection method: clinical testing. Allele origin: germline.
Comment: The p.Asp320Asn variant (rs150613209) has not been reported in the medical literature, nor has it been previously identified in our laboratory; however, it is listed in the ClinVar database (Variation ID: 158529). This variant is listed in the Genome Aggregation Database (gnomAD) browser with an overall frequency of 0.01% (identified in 33 out of 276,996 chromosomes). The aspartic acid at codon 320 is moderately conserved considering 14 species (Alamut software v2.9), and computational analyses return mixed results regarding the effect of this variant on DNM2 protein structure/function (SIFT: tolerated, PolyPhen2: benign, and Mutation Taster: disease causing). Therefore, based on the available information, the clinical significance of the p.Asp320Asn variant cannot be determined with certainty.

Genetic Services Laboratory, University of Chicago
Classification: Benign. Last evaluated: 2013-02-08. Review status: criteria provided, single submitter. Criteria: ACMG Guidelines, 2007. Collection method: clinical testing. Allele origin: germline. Inheritance: Autosomal dominant inheritance.